The following is an entry in ClinVar:

NM_000059.4(BRCA2):c.1645A>G (p.Lys549Glu)

Gene: BRCA2 (BRCA2 DNA repair associated; plus strand). Cytogenetic location: 13q13.1.
Variant type: single nucleotide variant.
Coding change: c.1645A>G on transcript NM_000059.4 (MANE Select); coding-DNA position 1645, A replaced by G.
Protein change: p.Lys549Glu; replaces lysine 549 with glutamic acid.
Molecular consequence: missense variant.
Genome position (GRCh38, 1-based): chr13:32,333,123, A>G. VCF-style: chr13-32333123-A-G. GRCh37 (hg19) VCF-style: chr13-32907260-A-G.
Other names: short protein forms K549E.
Identifiers: ClinVar variation 462242 (VCV000462242.18), dbSNP rs1555281997, ClinGen allele CA387764979.

ClinVar aggregate classification (germline): Conflicting classifications of pathogenicity. Review status: criteria provided, conflicting classifications (1 of 4 stars). 6 submissions from 6 submitters: Uncertain significance (4); Likely benign (2). Last evaluated 2025-07-20.

Conditions:
Hereditary breast ovarian cancer syndrome. Also called: BRCA1- and BRCA2-Associated Hereditary Breast and Ovarian Cancer; Hereditary breast and ovarian cancer; Breast and ovarian cancer; Hereditary breast and/or ovarian cancer syndrome; Hereditary breast and ovarian cancer syndrome; Hereditary breast and ovarian cancer syndrome (HBOC). Identifiers: Orphanet 145, MedGen C0677776, MeSH D061325, MONDO:0003582. Disease mechanism: loss of function.
Hereditary cancer-predisposing syndrome. Also called: Neoplastic Syndromes, Hereditary; Tumor predisposition; Hereditary Cancer Syndrome; Hereditary neoplastic syndrome. Identifiers: Orphanet 140162, MedGen C0027672, MeSH D009386, MONDO:0015356.
Familial cancer of breast. Also called: BREAST CANCER, FAMILIAL; hereditary breast carcinoma; Hereditary breast cancer. Identifiers: Orphanet 227535, MedGen C0346153, MONDO:0016419, OMIM 114480. Disease mechanism: loss of function.
Breast-ovarian cancer, familial, susceptibility to, 2 (BROVCA2). Also called: BRCA2 Hereditary Breast and Ovarian Cancer. Identifiers: Orphanet 145, MedGen C2675520, MONDO:0012933, OMIM 612555. Disease mechanism: loss of function.
Familial prostate cancer. Also called: Hereditary Prostate Cancer. Identifiers: MedGen C2931456, MONDO:0700275, OMIM 176807.

Submissions (6):

Labcorp Genetics (formerly Invitae), Labcorp
Classification: Uncertain significance for Hereditary breast ovarian cancer syndrome. Last evaluated: 2025-07-20. Review status: criteria provided, single submitter. Criteria: Invitae Variant Classification Sherloc (09022015). Collection method: clinical testing. Allele origin: germline.
Comment: This sequence change replaces lysine, which is basic and polar, with glutamic acid, which is acidic and polar, at codon 549 of the BRCA2 protein (p.Lys549Glu). This variant is not present in population databases (gnomAD no frequency). This missense change has been observed in individual(s) with breast cancer (PMID: 32772980). ClinVar contains an entry for this variant (Variation ID: 462242). Invitae Evidence Modeling of protein sequence and biophysical properties (such as structural, functional, and spatial information, amino acid conservation, physicochemical variation, residue mobility, and thermodynamic stability) indicates that this missense variant is not expected to disrupt BRCA2 protein function with a negative predictive value of 95%. In summary, the available evidence is currently insufficient to determine the role of this variant in disease. Therefore, it has been classified as a Variant of Uncertain Significance.

Department of Pathology and Laboratory Medicine, Sinai Health System
Classification: Uncertain significance for Familial cancer of breast; Familial prostate cancer; Breast-ovarian cancer, familial, susceptibility to, 2. Last evaluated: 2024-08-19. Review status: criteria provided, single submitter. Criteria: ACMG Guidelines, 2015. Collection method: clinical testing. Allele origin: germline. Affected: yes.

German Consortium for Hereditary Breast and Ovarian Cancer, University Hospital Cologne
Classification: Likely benign for Hereditary breast ovarian cancer syndrome. Last evaluated: 2023-12-13. Review status: criteria provided, single submitter. Criteria: ClinGen BRCA2 V1.0.0. Collection method: curation. Allele origin: germline.
Comment: Coldspot variant PM2_sup, BP1_str. According to the ClinGen ENIGMA BRCA2 v1.0.0 criteria we chose these criteria: PM2 (supporting pathogenic): absent from gnomAD, BP1 (strong benign): missense or in-frame insertion, deletion or delins variants outside a (potentially) clinically important functional domain AND no splicing predicted (SpliceAI ≤0.1).

University of Washington Department of Laboratory Medicine, University of Washington
Classification: Likely benign for Hereditary cancer-predisposing syndrome. Last evaluated: 2023-03-23. Review status: criteria provided, single submitter. Criteria: Dines et al. (Genet Med. 2020). Collection method: curation. Allele origin: germline.
Comment: Missense variant in a coldspot region where missense variants are very unlikely to be pathogenic (PMID:31911673).

BRCA2 exon 10 coldspot. Reclassification based on statistical prior probability.

Ambry Genetics
Classification: Uncertain significance for Hereditary cancer-predisposing syndrome. Last evaluated: 2022-01-28. Review status: criteria provided, single submitter. Criteria: Ambry Variant Classification Scheme 2023. Collection method: clinical testing. Allele origin: germline.
Comment: The p.K549E variant (also known as c.1645A>G), located in coding exon 9 of the BRCA2 gene, results from an A to G substitution at nucleotide position 1645. The lysine at codon 549 is replaced by glutamic acid, an amino acid with similar properties. This amino acid position is well conserved in available vertebrate species. In addition, this alteration is predicted to be tolerated by in silico analysis. Since supporting evidence is limited at this time, the clinical significance of this alteration remains unclear.

Color Diagnostics, LLC DBA Color Health
Classification: Uncertain significance for Hereditary cancer-predisposing syndrome. Last evaluated: 2019-04-17. Review status: criteria provided, single submitter. Criteria: ACMG Guidelines, 2015. Collection method: clinical testing. Allele origin: germline.

Literature cited by the submitters: PubMed 32772980 (cited by Labcorp Genetics (formerly Invitae), Labcorp and Department of Pathology and Laboratory Medicine, Sinai Health System); PubMed 33471991 (cited by Department of Pathology and Laboratory Medicine, Sinai Health System).